The following is an entry in ClinVar:

NM_002734.5(PRKAR1A):c.243G>T (p.Glu81Asp)

Gene: PRKAR1A (protein kinase cAMP-dependent type I regulatory subunit alpha; plus strand). Cytogenetic location: 17q24.2.
Variant type: single nucleotide variant.
Coding change: c.243G>T on transcript NM_002734.5 (MANE Select); coding-DNA position 243, G replaced by T.
Protein change: p.Glu81Asp; replaces glutamic acid 81 with aspartic acid.
Molecular consequence: missense variant.
Genome position (GRCh38, 1-based): chr17:68,522,821, G>T. VCF-style: chr17-68522821-G-T. GRCh37 (hg19) VCF-style: chr17-66518962-G-T.
Other names: c.243G>T, p.Glu81Asp (NM_001276289.2, NM_001276290.1, NM_001278433.2 and 4 more transcripts); short protein forms E81D.
Identifiers: ClinVar variation 5027339 (VCV005027339.1).

ClinVar aggregate classification (germline): Uncertain significance (1 of 4 stars; one submission).

Conditions:
Hereditary cancer-predisposing syndrome. Also called: Neoplastic Syndromes, Hereditary; Tumor predisposition; Hereditary neoplastic syndrome; Hereditary Cancer Syndrome. Identifiers: Orphanet 140162, MedGen C0027672, MeSH D009386, MONDO:0015356.

Submission:

Ambry Genetics
Classification: Uncertain significance for Hereditary cancer-predisposing syndrome. Last evaluated: 2026-07-07. Review status: criteria provided, single submitter. Criteria: Ambry Variant Classification Scheme 2023. Collection method: clinical testing. Allele origin: germline.
Comment: The p.E81D variant (also known as c.243G>T), located in coding exon 2 of the PRKAR1A gene, results from a G to T substitution at nucleotide position 243. The glutamic acid at codon 81 is replaced by aspartic acid, an amino acid with highly similar properties. This amino acid position is conserved. In addition, the in silico prediction for this alteration is inconclusive. Based on the available evidence, the clinical significance of this variant remains unclear.